The following is an entry in ClinVar:

ClinVar aggregate classification (germline): Benign (1 of 4 stars; one submission).

Allele frequency attached by ClinVar (database versions not stated): gnomAD 0.12727 and 0.13489; TOPMed 0.16896; 1000 Genomes Project 30x 0.30572; 1000 Genomes Project 0.31232.
gnomAD v4.1: 14,975 of 111,739 alleles (13%); highest among the groups gnomAD compares: East Asian, 67%; 1,680 homozygotes.

Submission:

GeneDx
Classification: Benign. Last evaluated: 2018-06-18. Review status: criteria provided, single submitter. Criteria: GeneDx Variant Classification (06012015). Collection method: clinical testing. Allele origin: germline. Affected: yes.
Comment: This variant is considered likely benign or benign based on one or more of the following criteria: it is a conservative change, it occurs at a poorly conserved position in the protein, it is predicted to be benign by multiple in silico algorithms, and/or has population frequency not consistent with disease.

NM_002637.4(PHKA1):c.2230-182T>C

Gene: PHKA1 (phosphorylase kinase regulatory subunit alpha 1; minus strand). Cytogenetic location: Xq13.1.
Variant type: single nucleotide variant.
Coding change: c.2230-182T>C on transcript NM_002637.4 (MANE Select); 182 bases into the intron before coding-DNA position 2230, T replaced by C.
Molecular consequence: intron variant.
Genome position (GRCh38, 1-based): chrX:72,619,031, A>G on the plus strand (T>C on the coding strand, the complement: PHKA1 is on the minus strand). VCF-style: chrX-72619031-A-G. GRCh37 (hg19) VCF-style: chrX-71838881-A-G.
Other names: c.2053-182T>C (NM_001172436.2); c.2230-182T>C (NM_001122670.2).
Identifiers: ClinVar variation 667854 (VCV000667854.1), dbSNP rs12689088, ClinGen allele CA331058935.